The following is an entry in ClinVar:

ClinVar aggregate classification (germline): Uncertain significance. Review status: criteria provided, multiple submitters, no conflicts (2 of 4 stars). 2 submissions from 2 submitters: Uncertain significance (2). Last evaluated 2025-06-07.

Allele frequency attached by ClinVar (database versions not stated): gnomAD exomes 0.00002; ExAC 0.00001; gnomAD 0.00002.
gnomAD v4.1: 36 of 1,594,444 alleles (0.0023%); highest among the groups gnomAD compares: African/African-American, 0.0027%; no homozygotes.

Submissions (2):

Ambry Genetics
Classification: Uncertain significance. Last evaluated: 2025-06-07. Review status: criteria provided, single submitter. Criteria: Ambry Variant Classification Scheme 2023. Collection method: clinical testing. Allele origin: germline.

Labcorp Genetics (formerly Invitae), Labcorp
Classification: Uncertain significance. Last evaluated: 2023-07-03. Review status: criteria provided, single submitter. Criteria: Invitae Variant Classification Sherloc (09022015). Collection method: clinical testing. Allele origin: germline.
Comment: This sequence change replaces valine, which is neutral and non-polar, with methionine, which is neutral and non-polar, at codon 1343 of the PLEKHG2 protein (p.Val1343Met). This variant is present in population databases (rs757528167, gnomAD 0.009%). This variant has not been reported in the literature in individuals affected with PLEKHG2-related conditions. ClinVar contains an entry for this variant (Variation ID: 1475746). An algorithm developed to predict the effect of missense changes on protein structure and function (PolyPhen-2) suggests that this variant is likely to be disruptive. In summary, the available evidence is currently insufficient to determine the role of this variant in disease. Therefore, it has been classified as a Variant of Uncertain Significance.

NM_022835.3(PLEKHG2):c.4027G>A (p.Val1343Met)

Gene: PLEKHG2 (pleckstrin homology and RhoGEF domain containing G2; plus strand). Cytogenetic location: 19q13.2.
Variant type: single nucleotide variant.
Coding change: c.4027G>A on transcript NM_022835.3 (MANE Select); coding-DNA position 4027, G replaced by A.
Protein change: p.Val1343Met; replaces valine 1343 with methionine.
Molecular consequence: missense variant. On other transcripts: intron variant (2).
Genome position (GRCh38, 1-based): chr19:39,425,160, G>A. VCF-style: chr19-39425160-G-A. GRCh37 (hg19) VCF-style: chr19-39915800-G-A.
Other names: c.3573-78G>A (NM_001351693.2); c.1678-78G>A (NM_001351694.2); c.4027G>A (NM_022835.2); short protein forms V1343M.
Identifiers: ClinVar variation 1475746 (VCV001475746.9), dbSNP rs757528167, ClinGen allele CA9430119.